The following is an entry in ClinVar:

NM_005068.3(SIM1):c.452T>G (p.Val151Gly)

Gene: SIM1 (SIM bHLH transcription factor 1; minus strand). Cytogenetic location: 6q16.3.
Variant type: single nucleotide variant.
Coding change: c.452T>G on transcript NM_005068.3 (MANE Select); coding-DNA position 452, T replaced by G.
Protein change: p.Val151Gly; replaces valine 151 with glycine.
Molecular consequence: missense variant.
Genome position (GRCh38, 1-based): chr6:100,449,596, A>C on the plus strand (T>G on the coding strand, the complement: SIM1 is on the minus strand). VCF-style: chr6-100449596-A-C. GRCh37 (hg19) VCF-style: chr6-100897472-A-C.
Other names: c.452T>G, p.Val151Gly (NM_001374769.1); short protein forms V151G.
Identifiers: ClinVar variation 3040180 (VCV003040180.5), dbSNP rs376356150, ClinGen allele CA3937314.

ClinVar aggregate classification (germline): Conflicting classifications of pathogenicity. Review status: criteria provided, conflicting classifications (1 of 4 stars). 3 submissions from 3 submitters: Uncertain significance (1); Likely benign (1). 1 of the submissions does not count toward it. Last evaluated 2024-09-29.

Conditions:
Inborn genetic diseases. Identifiers: MedGen C0950123, MeSH D030342.
SIM1-related disorder. Also called: SIM1-related disorders; SIM1-related condition.

Allele frequency attached by ClinVar (database versions not stated): ExAC 0.00005; ESP Exome Variant Server 0.00008; gnomAD 0.00013; TOPMed 0.00015.
gnomAD v4.1: 289 of 1,613,444 alleles (0.018%); highest among the groups gnomAD compares: Non-Finnish European, 0.023%; no homozygotes.

Submissions (3):

Labcorp Genetics (formerly Invitae), Labcorp
Classification: Uncertain significance. Last evaluated: 2024-09-29. Review status: criteria provided, single submitter. Criteria: Invitae Variant Classification Sherloc (09022015). Collection method: clinical testing. Allele origin: germline.
Comment: This sequence change replaces valine, which is neutral and non-polar, with glycine, which is neutral and non-polar, at codon 151 of the SIM1 protein (p.Val151Gly). This variant is present in population databases (rs376356150, gnomAD 0.01%). This variant has not been reported in the literature in individuals affected with SIM1-related conditions. An algorithm developed to predict the effect of missense changes on protein structure and function (PolyPhen-2) suggests that this variant is likely to be tolerated. In summary, the available evidence is currently insufficient to determine the role of this variant in disease. Therefore, it has been classified as a Variant of Uncertain Significance.

Ambry Genetics
Classification: Likely benign for Inborn genetic diseases. Last evaluated: 2024-09-08. Review status: criteria provided, single submitter. Criteria: Ambry Variant Classification Scheme 2023. Collection method: clinical testing. Allele origin: germline.

PreventionGenetics, part of Exact Sciences
Classification: Uncertain significance for SIM1-related condition. Last evaluated: 2024-02-14. Review status: no assertion criteria provided. Collection method: clinical testing. Allele origin: germline. Not counted in ClinVar's aggregate classification.
Comment: The SIM1 c.452T>G variant is predicted to result in the amino acid substitution p.Val151Gly. To our knowledge, this variant has not been reported in the literature. This variant is reported in 0.012% of alleles in individuals of European (non-Finnish) descent in gnomAD. At this time, the clinical significance of this variant is uncertain due to the absence of conclusive functional and genetic evidence.